The following is an entry in ClinVar:

NC_012920.1(MT-CO1):m.6273A>G

Gene: MT-CO1 (mitochondrially encoded cytochrome c oxidase I; plus strand).
Variant type: single nucleotide variant.
Genome position: chrM-6273-A-G.
Identifiers: ClinVar variation 692634 (VCV000692634.1), dbSNP rs1603220381, ClinGen allele CA414782894.

ClinVar aggregate classification (germline): Uncertain significance (1 of 4 stars; one submission).

Conditions:
Leigh syndrome (NULS). Also called: Leigh's necrotizing encephalopathy; Leigh's disease; Leigh Syndrome (mtDNA deletion); Leigh Disease; Subacute necrotizing encephalopathy; Necrotizing encephalopathy infantile subacute of Leigh. Identifiers: Orphanet 506, MedGen C2931891, MONDO:0009723, OMIM 256000.

Submission:

Wong Mito Lab, Molecular and Human Genetics, Baylor College of Medicine
Classification: Uncertain significance for Leigh syndrome. Last evaluated: 2019-10-17. Review status: criteria provided, single submitter. Criteria: Modified ACMG Guidelines (Unpublished). Collection method: clinical testing. Allele origin: germline.
Comment: The NC_012920.1:m.6273A>G (YP_003024028.1:p.Thr124Ala) variant in MTCO1 gene is interpretated to be a Uncertain Significance variant based on the modified ACMG guidelines (unpublished). This variant meets the following evidence codes: PP3, PP7